The following is an entry in ClinVar:

ClinVar aggregate classification (germline): Uncertain significance (1 of 4 stars; one submission).

Conditions:
Inborn genetic diseases. Identifiers: MedGen C0950123, MeSH D030342.

Submission:

Ambry Genetics
Classification: Uncertain significance for Inborn genetic diseases. Last evaluated: 2025-08-02. Review status: criteria provided, single submitter. Criteria: Ambry Variant Classification Scheme 2023. Collection method: clinical testing. Allele origin: germline.
Comment: The p.N23D variant (also known as c.67A>G), located in coding exon 2 of the ASXL1 gene, results from an A to G substitution at nucleotide position 67. The asparagine at codon 23 is replaced by aspartic acid, an amino acid with highly similar properties. This amino acid position is conserved. In addition, this alteration is predicted to be tolerated by in silico analysis. Based on the available evidence, the clinical significance of this variant remains unclear.

NM_015338.6(ASXL1):c.67A>G (p.Asn23Asp)

Gene: ASXL1 (ASXL transcriptional regulator 1; plus strand). Cytogenetic location: 20q11.21.
Variant type: single nucleotide variant.
Coding change: c.67A>G on transcript NM_015338.6 (MANE Select); coding-DNA position 67, A replaced by G.
Protein change: p.Asn23Asp; replaces asparagine 23 with aspartic acid.
Molecular consequence: missense variant.
Genome position (GRCh38, 1-based): chr20:32,366,393, A>G. VCF-style: chr20-32366393-A-G. GRCh37 (hg19) VCF-style: chr20-30954196-A-G.
Other names: c.67A>G, p.Asn23Asp (NM_001164603.1); c.37A>G, p.Asn13Asp (NM_001363734.1); short protein forms N13D, N23D.
Identifiers: ClinVar variation 4158568 (VCV004158568.1).